The following is an entry in ClinVar:

NM_001134831.2(AHI1):c.3491A>C (p.Glu1164Ala)

Gene: AHI1 (Abelson helper integration site 1; minus strand). Cytogenetic location: 6q23.3.
Variant type: single nucleotide variant.
Coding change: c.3491A>C on transcript NM_001134831.2 (MANE Select); coding-DNA position 3491, A replaced by C.
Protein change: p.Glu1164Ala; replaces glutamic acid 1164 with alanine.
Molecular consequence: missense variant. On other transcripts: intron variant (1).
Genome position (GRCh38, 1-based): chr6:135,290,520, T>G on the plus strand (A>C on the coding strand, the complement: AHI1 is on the minus strand). VCF-style: chr6-135290520-T-G. GRCh37 (hg19) VCF-style: chr6-135611658-T-G.
Other names: c.3491A>C, p.Glu1164Ala (NM_001134830.2, NM_001350503.2, NM_017651.5); c.3486-4873A>C (NM_001350504.2); short protein forms E1164A.
Identifiers: ClinVar variation 999860 (VCV000999860.9), dbSNP rs1232167375, ClinGen allele CA365840976.

ClinVar aggregate classification (germline): Uncertain significance (1 of 4 stars; one submission).

Conditions:
Joubert syndrome. Also called: Familial aplasia of the vermis; CEREBELLOPARENCHYMAL DISORDER IV; JOUBERT-BOLTSHAUSER SYNDROME. Identifiers: Orphanet 475, MedGen C5979921, MONDO:0018772.

Allele frequency attached by ClinVar (database versions not stated): TOPMed below 0.00001; gnomAD 0.00001.
gnomAD v4.1: 1 of 1,613,616 alleles (0.000062%); highest among the groups gnomAD compares: Non-Finnish European, 0.000085%; no homozygotes.

Submission:

Labcorp Genetics (formerly Invitae), Labcorp
Classification: Uncertain significance for Joubert syndrome. Last evaluated: 2020-03-19. Review status: criteria provided, single submitter. Criteria: Invitae Variant Classification Sherloc (09022015). Collection method: clinical testing. Allele origin: germline.
Comment: This sequence change replaces glutamic acid with alanine at codon 1164 of the AHI1 protein (p.Glu1164Ala). The glutamic acid residue is weakly conserved and there is a moderate physicochemical difference between glutamic acid and alanine. This variant is not present in population databases (ExAC no frequency). This variant has not been reported in the literature in individuals with AHI1-related conditions. Algorithms developed to predict the effect of missense changes on protein structure and function are either unavailable or do not agree on the potential impact of this missense change (SIFT: "Deleterious"; PolyPhen-2: "Benign"; Align-GVGD: "Class C0"). In summary, the available evidence is currently insufficient to determine the role of this variant in disease. Therefore, it has been classified as a Variant of Uncertain Significance.